The following is an entry in ClinVar:

NM_000531.6(OTC):c.1063T>G (p.Ter355Gly)

Gene: OTC (ornithine transcarbamylase; plus strand). Cytogenetic location: Xp11.4.
Variant type: single nucleotide variant.
Coding change: c.1063T>G on transcript NM_000531.6 (MANE Select); coding-DNA position 1063, T replaced by G.
Protein change: p.Ter355Gly.
Molecular consequence: stop lost.
Genome position (GRCh38, 1-based): chrX:38,421,080, T>G. VCF-style: chrX-38421080-T-G. GRCh37 (hg19) VCF-style: chrX-38280333-T-G.
Identifiers: ClinVar variation 1466128 (VCV001466128.9), dbSNP rs2147349974, ClinGen allele CA412728138.

ClinVar aggregate classification (germline): Conflicting classifications of pathogenicity. Review status: criteria provided, conflicting classifications (1 of 4 stars). 2 submissions from 2 submitters: Likely pathogenic (1); Uncertain significance (1). Last evaluated 2023-12-01.

Conditions:
Ornithine carbamoyltransferase deficiency (OTCD). Also called: ORNITHINE TRANSCARBAMYLASE DEFICIENCY; Ornithine Carbamoyltransferase Deficiency Disease; OTC DEFICIENCY; ORNITHINE TRANSCARBAMYLASE DEFICIENCY, HYPERAMMONEMIA DUE TO. Identifiers: Orphanet 664, MedGen C0268542, MONDO:0010703, OMIM 311250.

Submissions (2):

All of Us Research Program, National Institutes of Health
Classification: Uncertain significance for Ornithine carbamoyltransferase deficiency. Last evaluated: 2023-12-01. Review status: criteria provided, single submitter. Criteria: ACMG Guidelines, 2015. Collection method: clinical testing. Allele origin: germline. Inheritance: X-linked inheritance. Observed: 1 variant allele, 1 heterozygote.
Comment: This study involves interpretation of variants in research participants for the purpose of population health screening. Participant phenotype was not available at the time of variant classification. Additional details can be found in publication PMID: 35346344, PMCID: PMC8962531

Labcorp Genetics (formerly Invitae), Labcorp
Classification: Likely pathogenic for Ornithine carbamoyltransferase deficiency. Last evaluated: 2021-05-17. Review status: criteria provided, single submitter. Criteria: Invitae Variant Classification Sherloc (09022015). Collection method: clinical testing. Allele origin: germline.
Comment: This sequence change disrupts the translational stop signal of the OTC mRNA. It is expected to extend the length of the OTC protein by 14 additional amino acid residues. This variant is not present in population databases (ExAC no frequency). This variant has been observed in individual(s) with OTC-related conditions. (Invitae). In at least one individual the variant was observed to be de novo. This variant results in an extension of the OTC protein. Other variant(s) that result in a similarly extended protein product (p.*355Cysext*14) have been observed in individuals with OTC-related conditions (PMID: 23278509). This suggests that these extensions may be clinically significant. In summary, the currently available evidence indicates that the variant is pathogenic, but additional data are needed to prove that conclusively. Therefore, this variant has been classified as Likely Pathogenic.

Literature cited by the submitters: PubMed 23278509 (cited by Labcorp Genetics (formerly Invitae), Labcorp).